The following is an entry in ClinVar:

ClinVar aggregate classification (germline): Uncertain significance (1 of 4 stars; one submission).

Conditions:
IFT172-related disorder. Also called: IFT172-related disorders; IFT172-related condition.

gnomAD v4.1: 2 of 1,614,154 alleles (0.00012%); highest among the groups gnomAD compares: South Asian, 0.0022%; no homozygotes.

Submission:

PreventionGenetics, part of Exact Sciences
Classification: Uncertain significance for IFT172-related condition. Last evaluated: 2025-06-09. Review status: criteria provided, single submitter. Criteria: ACMG Guidelines, 2015. Collection method: clinical testing. Allele origin: germline.
Comment: The IFT172 c.3658G>A variant is predicted to result in the amino acid substitution p.Glu1220Lys. To our knowledge, this variant has not been reported in the literature or in a large population database (gnomAD), indicating this variant is rare. At this time, the clinical significance of this variant is uncertain due to the absence of conclusive functional and genetic evidence.

NM_015662.3(IFT172):c.3658G>A (p.Glu1220Lys)

Genes: IFT172 (intraflagellar transport 172; minus strand), LOC126806173 (BRD4-independent group 4 enhancer GRCh37_chr2:27676057-27677256; plus strand). Cytogenetic location: 2p23.3.
Variant type: single nucleotide variant.
Coding change: c.3658G>A on transcript NM_015662.3 (MANE Select); coding-DNA position 3658, G replaced by A.
Protein change: p.Glu1220Lys; replaces glutamic acid 1220 with lysine.
Molecular consequence: missense variant.
Genome position (GRCh38, 1-based): chr2:27,454,035, C>T on the plus strand (G>A on the coding strand, the complement: IFT172 is on the minus strand). VCF-style: chr2-27454035-C-T. GRCh37 (hg19) VCF-style: chr2-27676902-C-T.
Other names: c.3592G>A, p.Glu1198Lys (NM_001410739.1); short protein forms E1220K, E1198K.
Identifiers: ClinVar variation 4996943 (VCV004996943.1).